The following is an entry in ClinVar:

ClinVar aggregate classification (germline): Uncertain significance (1 of 4 stars; one submission).

Submission:

GeneDx
Classification: Uncertain significance. Last evaluated: 2023-11-14. Review status: criteria provided, single submitter. Criteria: GeneDx Variant Classification Process June 2021. Collection method: clinical testing. Allele origin: germline. Affected: yes.
Comment: Not observed at significant frequency in large population cohorts (gnomAD); Nonsense variant predicted to result in protein truncation or nonsense mediated decay in a gene or region of a gene for which loss of function is not a well-established mechanism of disease; Has not been previously published as pathogenic or benign to our knowledge

NM_001829.4(CLCN3):c.1026T>A (p.Tyr342Ter)

Gene: CLCN3 (chloride voltage-gated channel 3; plus strand). Cytogenetic location: 4q33.
Variant type: single nucleotide variant.
Coding change: c.1026T>A on transcript NM_001829.4 (MANE Select); coding-DNA position 1026, T replaced by A.
Protein change: p.Tyr342Ter; replaces tyrosine 342 with a stop codon.
Molecular consequence: nonsense.
Genome position (GRCh38, 1-based): chr4:169,697,197, T>A. VCF-style: chr4-169697197-T-A. GRCh37 (hg19) VCF-style: chr4-170618348-T-A.
Other names: c.945T>A, p.Tyr315Ter (NM_001243372.2, NM_001243374.2); c.1026T>A, p.Tyr342Ter (NM_173872.4); short protein forms Y315*, Y342*.
Identifiers: ClinVar variation 2429505 (VCV002429505.2), dbSNP rs2477054699, ClinGen allele CA358739058.
Genomic context (GRCh38, chr4:169,697,197, plus strand): 5'-ACATCTTATAAAATTATAGCATTAATTTTTCTTTTCCTTTTCTTTTTTTTAGGTTAGCTA[T>A]TATTTTCCTCTCAAAACTTTATGGAGATCATTTTTTGCTGCTTTAGTGGCTGCATTTGTT-3'